The following is an entry in ClinVar:

NM_025243.4(SLC19A3):c.-2-224G>T

Gene: SLC19A3 (solute carrier family 19 member 3; minus strand). Cytogenetic location: 2q36.3.
Variant type: single nucleotide variant.
Coding change: c.-2-224G>T on transcript NM_025243.4 (MANE Select); 224 bases into the intron before 2 bases upstream of the start codon, G replaced by T.
Molecular consequence: intron variant.
Genome position (GRCh38, 1-based): chr2:227,702,544, C>A on the plus strand (G>T on the coding strand, the complement: SLC19A3 is on the minus strand). VCF-style: chr2-227702544-C-A. GRCh37 (hg19) VCF-style: chr2-228567260-C-A.
Identifiers: ClinVar variation 671616 (VCV000671616.2), dbSNP rs68136760, ClinGen allele CA11139621.

ClinVar aggregate classification (germline): Benign. Review status: criteria provided, multiple submitters, no conflicts (2 of 4 stars). 2 submissions from 2 submitters: Benign (2). Last evaluated 2018-06-14.

Allele frequency attached by ClinVar (database versions not stated): 1000 Genomes Project 0.24141; 1000 Genomes Project 30x 0.24641; TOPMed 0.34259; gnomAD 0.35906 and 0.36655.
gnomAD v4.1: 194,238 of 519,614 alleles (37%); highest among the groups gnomAD compares: Non-Finnish European, 45%; 40,052 homozygotes.

Submissions (2):

GeneDx
Classification: Benign. Last evaluated: 2018-06-14. Review status: criteria provided, single submitter. Criteria: GeneDx Variant Classification (06012015). Collection method: clinical testing. Allele origin: germline. Affected: yes.
Comment: This variant is considered likely benign or benign based on one or more of the following criteria: it is a conservative change, it occurs at a poorly conserved position in the protein, it is predicted to be benign by multiple in silico algorithms, and/or has population frequency not consistent with disease.

Breakthrough Genomics
Classification: Benign. Review status: criteria provided, single submitter. Criteria: ACMG Guidelines, 2015. Collection method: not provided. Allele origin: germline. Inheritance: Autosomal recessive inheritance. Affected: yes.